The following is an entry in ClinVar:

NM_007186.6(CEP250):c.2654_2675del (p.Met885fs)

Genes: CEP250 (centrosomal protein 250; plus strand), CEP250-AS1 (CEP250 antisense RNA 1; minus strand). Cytogenetic location: 20q11.22.
Variant type: Deletion.
Coding change: c.2654_2675del on transcript NM_007186.6 (MANE Select); coding-DNA positions 2654 to 2675, 22 bases deleted (TGGAGCTGGAAATGAGGCTAAA).
Protein change: p.Met885fs; shifts the reading frame from methionine 885.
Molecular consequence: frameshift variant.
Genome position (GRCh38, 1-based): chr20:35,490,704-35,490,725, TGGAGCTGGAAATGAGGCTAAA deleted; deleting any 22 consecutive bases within chr20:35,490,701-35,490,725 gives the same sequence; the c. name uses the placement nearest the transcript's 3' end. VCF-style (leftmost placement, unchanged base first): chr20-35490700-AAAATGGAGCTGGAAATGAGGCT-A. GRCh37 (hg19) VCF-style: chr20-34078526-AAAATGGAGCTGGAAATGAGGCT-A.
Other names: c.758_779del, p.Met253fs (NM_001318219.1); short protein forms M885fs, M253fs.
Identifiers: ClinVar variation 1916440 (VCV001916440.7), dbSNP rs749883566, ClinGen allele CA9833243.

ClinVar aggregate classification (germline): Pathogenic/Likely pathogenic. Review status: criteria provided, multiple submitters, no conflicts (2 of 4 stars). 3 submissions from 3 submitters: Pathogenic (1); Likely pathogenic (2). Last evaluated 2025-03-17.

Conditions:
Cone-rod dystrophy and hearing loss 2 (CRDHL2). Identifiers: MedGen C5193051, MONDO:0020780, OMIM 618358.

Submissions (3):

Labcorp Genetics (formerly Invitae), Labcorp
Classification: Pathogenic. Last evaluated: 2025-03-17. Review status: criteria provided, single submitter. Criteria: Invitae Variant Classification Sherloc (09022015). Collection method: clinical testing. Allele origin: germline.
Comment: This sequence change creates a premature translational stop signal (p.Met885Argfs*50) in the CEP250 gene. It is expected to result in an absent or disrupted protein product. Loss-of-function variants in CEP250 are known to be pathogenic (PMID: 24780881, 29718797). This variant is present in population databases (rs749883566, gnomAD 0.003%). This variant has not been reported in the literature in individuals affected with CEP250-related conditions. ClinVar contains an entry for this variant (Variation ID: 1916440). For these reasons, this variant has been classified as Pathogenic.

Dasa
Classification: Likely pathogenic. Last evaluated: 2024-12-23. Review status: criteria provided, single submitter. Criteria: DASA Assertion Criteria. Collection method: clinical testing. Allele origin: germline.
Comment: NM_007186.6(CEP250):c.2654_2675del (p.Met885Argfs*50) is a frameshift variant in CEP250 predicted to alter the reading frame and introduce a premature termination codon and is predicted to result in an absent or altered protein product. Loss of function is an established disease mechanism for CEP250-associated disorders. Also, this variant is rare in population databases. Based on the currently available evidence, this variant is classified as likely pathogenic.

Department of Pathology and Laboratory Medicine, Sinai Health System
Classification: Likely pathogenic for Cone-rod dystrophy and hearing loss 2. Last evaluated: 2022-09-21. Review status: criteria provided, single submitter. Criteria: ACMG Guidelines, 2015. Collection method: research. Allele origin: germline.

Literature cited by the submitters: PubMed 24780881 (cited by Labcorp Genetics (formerly Invitae), Labcorp); PubMed 29718797 (cited by Labcorp Genetics (formerly Invitae), Labcorp).